The following is an entry in ClinVar:

NM_001099271.2(POC5):c.1621C>T (p.Arg541Trp)

Gene: POC5 (POC5 centriolar protein; minus strand). Cytogenetic location: 5q13.3.
Variant type: single nucleotide variant.
Coding change: c.1621C>T on transcript NM_001099271.2 (MANE Select); coding-DNA position 1621, C replaced by T.
Protein change: p.Arg541Trp; replaces arginine 541 with tryptophan.
Molecular consequence: missense variant.
Genome position (GRCh38, 1-based): chr5:75,674,542, G>A on the plus strand (C>T on the coding strand, the complement: POC5 is on the minus strand). VCF-style: chr5-75674542-G-A. GRCh37 (hg19) VCF-style: chr5-74970367-G-A.
Other names: c.1546C>T, p.Arg516Trp (NM_152408.3); short protein forms R516W, R541W.
Identifiers: ClinVar variation 3216145 (VCV003216145.3), dbSNP rs771787338, ClinGen allele CA120978002.
Genomic context (GRCh38, chr5:75,674,542, plus strand): 5'-GAGCTGATCTGGTTCCAAGTGATCTGGAAGCTGAGGTACTACTTTCAGGATGAATGGTCC[G>A]GGGATATTTTGCTGCAGTTGCTTGAGGAATGGTTTGCTGAAAAGACAAAATTCTGCTTTA-3'
Protein context (NP_001092741.1, residues 531-551): IPQATAAKYP[Arg541Trp]TIHPESSTSA

ClinVar aggregate classification (germline): Uncertain significance. Review status: criteria provided, multiple submitters, no conflicts (2 of 4 stars). 2 submissions from 2 submitters: Uncertain significance (2). Last evaluated 2024-03-25.

Allele frequency attached by ClinVar (database versions not stated): gnomAD 0.00001; TOPMed 0.00001.

Submissions (2):

Labcorp Genetics (formerly Invitae), Labcorp
Classification: Uncertain significance. Last evaluated: 2024-03-25. Review status: criteria provided, single submitter. Criteria: Invitae Variant Classification Sherloc (09022015). Collection method: clinical testing. Allele origin: germline.
Comment: This sequence change replaces arginine, which is basic and polar, with tryptophan, which is neutral and slightly polar, at codon 541 of the POC5 protein (p.Arg541Trp). This variant is not present in population databases (gnomAD no frequency). This variant has not been reported in the literature in individuals affected with POC5-related conditions. An algorithm developed to predict the effect of missense changes on protein structure and function (PolyPhen-2) suggests that this variant is likely to be disruptive. In summary, the available evidence is currently insufficient to determine the role of this variant in disease. Therefore, it has been classified as a Variant of Uncertain Significance.

Ambry Genetics
Classification: Uncertain significance. Last evaluated: 2023-12-13. Review status: criteria provided, single submitter. Criteria: Ambry Variant Classification Scheme 2023. Collection method: clinical testing. Allele origin: germline.